The following is an entry in ClinVar:

ClinVar aggregate classification (germline): Uncertain significance (1 of 4 stars; one submission).

Conditions:
Progressive myoclonic epilepsy type 8. Identifiers: Orphanet 424027, MedGen C5190825, MONDO:0014545, OMIM 616230.

Allele frequency attached by ClinVar (database versions not stated): gnomAD exomes below 0.00001 and 0.00001; TOPMed below 0.00001; gnomAD 0.00001.
gnomAD v4.1: 13 of 1,612,006 alleles (0.00081%); highest among the groups gnomAD compares: Non-Finnish European, 0.0011%; no homozygotes.

Submission:

Labcorp Genetics (formerly Invitae), Labcorp
Classification: Uncertain significance for Progressive myoclonic epilepsy type 8. Last evaluated: 2022-08-31. Review status: criteria provided, single submitter. Criteria: Invitae Variant Classification Sherloc (09022015). Collection method: clinical testing. Allele origin: germline.
Comment: In summary, the available evidence is currently insufficient to determine the role of this variant in disease. Therefore, it has been classified as a Variant of Uncertain Significance. Algorithms developed to predict the effect of missense changes on protein structure and function (SIFT, PolyPhen-2, Align-GVGD) all suggest that this variant is likely to be tolerated. ClinVar contains an entry for this variant (Variation ID: 1387459). This variant has not been reported in the literature in individuals affected with CERS1-related conditions. This variant is present in population databases (no rsID available, gnomAD 0.0009%). This sequence change replaces aspartic acid, which is acidic and polar, with alanine, which is neutral and non-polar, at codon 277 of the CERS1 protein (p.Asp277Ala).

NM_021267.5(CERS1):c.830A>C (p.Asp277Ala)

Genes: CERS1 (ceramide synthase 1; minus strand), GDF1 (growth differentiation factor 1; minus strand). Cytogenetic location: 19p13.11.
Variant type: single nucleotide variant.
Coding change: c.830A>C on transcript NM_021267.5 (MANE Select); coding-DNA position 830, A replaced by C.
Protein change: p.Asp277Ala; replaces aspartic acid 277 with alanine.
Molecular consequence: missense variant. On other transcripts: 5 prime UTR variant (1), intron variant (1).
Genome position (GRCh38, 1-based): chr19:18,879,311, T>G on the plus strand (A>C on the coding strand, the complement: CERS1 is on the minus strand). VCF-style: chr19-18879311-T-G. GRCh37 (hg19) VCF-style: chr19-18990120-T-G.
Other names: c.536A>C, p.Asp179Ala (NM_001290265.2, NM_001387442.1, NM_001387443.1 and 2 more transcripts); c.830A>C, p.Asp277Ala (NM_001387439.1, NM_001387440.1, NM_198207.3); c.785A>C, p.Asp262Ala (NM_001387441.1); c.-493A>C (NM_001492.6); c.-313+4776A>C (NM_001387438.1); short protein forms D262A, D179A, D277A.
Identifiers: ClinVar variation 1387459 (VCV001387459.6), dbSNP rs1283919339, ClinGen allele CA404865525.